The following is an entry in ClinVar:

Conditions:
Long QT syndrome 5 (LQT5). Identifiers: Orphanet 101016, Orphanet 768, MedGen C1867904, MONDO:0013372, OMIM 613695.

Submission:

Roden Lab, Vanderbilt University Medical Center
No classification provided (evidence only). Condition: Long QT syndrome 5. Review status: no classification provided. Collection method: in vitro. Allele origin: not applicable. Functional consequence: Effect on ion channel function.
ClinVar note: "not provided" was previously submitted as the classification for the variant. However, the classification appeared to be based only on an observation of functional data so it was converted to no classification on 2025-07-30.

NM_000219.6(KCNE1):c.177G>A (p.Leu59=)

Gene: KCNE1 (potassium voltage-gated channel subfamily E regulatory subunit 1; minus strand). Cytogenetic location: 21q22.12.
Variant type: single nucleotide variant.
Coding change: c.177G>A on transcript NM_000219.6 (MANE Select); coding-DNA position 177, G replaced by A.
Protein change: p.Leu59=; no amino-acid change (leucine 59 retained).
Molecular consequence: synonymous variant.
Genome position (GRCh38, 1-based): chr21:34,449,458, C>T on the plus strand (G>A on the coding strand, the complement: KCNE1 is on the minus strand). VCF-style: chr21-34449458-C-T. GRCh37 (hg19) VCF-style: chr21-35821756-C-T.
Other names: c.177G>A, p.Leu59= (NM_001127668.4, NM_001127669.4, NM_001127670.4 and 4 more transcripts).
Identifiers: ClinVar variation 3374250 (VCV003374250.2).